The following is an entry in ClinVar:

NM_004360.5(CDH1):c.1608T>A (p.Asn536Lys)

Gene: CDH1 (cadherin 1; plus strand). Cytogenetic location: 16q22.1.
Variant type: single nucleotide variant.
Coding change: c.1608T>A on transcript NM_004360.5 (MANE Select); coding-DNA position 1608, T replaced by A.
Protein change: p.Asn536Lys; replaces asparagine 536 with lysine.
Molecular consequence: missense variant. On other transcripts: intron variant (1).
Genome position (GRCh38, 1-based): chr16:68,819,322, T>A. VCF-style: chr16-68819322-T-A. GRCh37 (hg19) VCF-style: chr16-68853225-T-A.
Other names: c.1425T>A, p.Asn475Lys (NM_001317184.2); c.60T>A, p.Asn20Lys (NM_001317185.2); c.-254-2679T>A (NM_001317186.2); short protein forms N20K, N475K, N536K.
Identifiers: ClinVar variation 3641458 (VCV003641458.2).

ClinVar aggregate classification (germline): Uncertain significance (1 of 4 stars; one submission).

Conditions:
Hereditary diffuse gastric adenocarcinoma (HDGC). Also called: DIFFUSE GASTRIC AND LOBULAR BREAST CANCER SYNDROME. Identifiers: Orphanet 26106, MedGen C1708349, MONDO:0007648, OMIM 137215.

gnomAD v4.1: 1 of 1,614,188 alleles (0.000062%); highest among the groups gnomAD compares: Non-Finnish European, 0.000085%; no homozygotes.

Submission:

Labcorp Genetics (formerly Invitae), Labcorp
Classification: Uncertain significance for Hereditary diffuse gastric adenocarcinoma. Last evaluated: 2024-02-17. Review status: criteria provided, single submitter. Criteria: Invitae Variant Classification Sherloc (09022015). Collection method: clinical testing. Allele origin: germline.
Comment: This sequence change replaces asparagine, which is neutral and polar, with lysine, which is basic and polar, at codon 536 of the CDH1 protein (p.Asn536Lys). This variant is not present in population databases (gnomAD no frequency). This variant has not been reported in the literature in individuals affected with CDH1-related conditions. An algorithm developed to predict the effect of missense changes on protein structure and function (PolyPhen-2) suggests that this variant is likely to be disruptive. In summary, the available evidence is currently insufficient to determine the role of this variant in disease. Therefore, it has been classified as a Variant of Uncertain Significance.